The following is an entry in ClinVar:

ClinVar aggregate classification (germline): Uncertain significance. Review status: criteria provided, multiple submitters, no conflicts (2 of 4 stars). 3 submissions from 3 submitters: Uncertain significance (3). Last evaluated 2026-09-09.

Conditions:
CCDC50-related disorder. Also called: CCDC50-related condition.

Allele frequency attached by ClinVar (database versions not stated): TOPMed 0.00001; gnomAD 0.00002; ExAC 0.00003; 1000 Genomes Project 30x 0.00016; 1000 Genomes Project 0.00020.
gnomAD v4.1: 8 of 1,611,508 alleles (0.0005%); highest among the groups gnomAD compares: Admixed American, 0.0033%; no homozygotes.

Submissions (3):

GeneDx
Classification: Uncertain significance. Last evaluated: 2026-09-09. Review status: criteria provided, single submitter. Criteria: GeneDx Variant Classification Process June 2021. Collection method: clinical testing. Allele origin: germline.
Comment: In silico analysis suggests that this missense variant does not alter protein structure/function; Has not been previously published as pathogenic or benign to our knowledge

Women's Health and Genetics/Laboratory Corporation of America, LabCorp
Classification: Uncertain significance. Last evaluated: 2025-06-20. Review status: criteria provided, single submitter. Criteria: LabCorp Variant Classification Summary - May 2015. Collection method: clinical testing. Allele origin: germline.
Comment: Variant summary: CCDC50 c.1234G>A (p.Glu412Lys) results in a conservative amino acid change in the encoded protein sequence. Algorithms developed to predict the effect of missense changes on protein structure and function are either unavailable or do not agree on the potential impact of this missense change. The variant allele was found at a frequency of 1.2e-05 in 247932 control chromosomes. The available data on variant occurrences in the general population are insufficient to allow any conclusion about variant significance. To our knowledge, no occurrence of c.1234G>A in individuals affected with Autosomal Dominant Nonsyndromic Hearing Loss 44 and no experimental evidence demonstrating its impact on protein function have been reported. ClinVar contains an entry for this variant (Variation ID: 2632635). Based on the evidence outlined above, the variant was classified as uncertain significance.

PreventionGenetics, part of Exact Sciences
Classification: Uncertain significance for CCDC50-related condition. Last evaluated: 2023-07-20. Review status: criteria provided, single submitter. Criteria: ACMG Guidelines, 2015. Collection method: clinical testing. Allele origin: germline.
Comment: The CCDC50 c.1234G>A variant is predicted to result in the amino acid substitution p.Glu412Lys. To our knowledge, this variant has not been reported in the literature. This variant is reported in 0.0046% of alleles in individuals of European (Finnish) descent in gnomAD. At this time, the clinical significance of this variant is uncertain due to the absence of conclusive functional and genetic evidence.

NM_178335.3(CCDC50):c.1234G>A (p.Glu412Lys)

Gene: CCDC50 (coiled-coil domain containing 50; plus strand). Cytogenetic location: 3q28.
Variant type: single nucleotide variant.
Coding change: c.1234G>A on transcript NM_178335.3 (MANE Select); coding-DNA position 1234, G replaced by A.
Protein change: p.Glu412Lys; replaces glutamic acid 412 with lysine.
Molecular consequence: missense variant.
Genome position (GRCh38, 1-based): chr3:191,380,924, G>A. VCF-style: chr3-191380924-G-A. GRCh37 (hg19) VCF-style: chr3-191098713-G-A.
Other names: c.706G>A, p.Glu236Lys (NM_174908.4); short protein forms E236K, E412K.
Identifiers: ClinVar variation 2632635 (VCV002632635.4), dbSNP rs536917876, ClinGen allele CA2755490.